The following is an entry in ClinVar:

ClinVar aggregate classification (germline): Benign. Review status: criteria provided, single submitter (1 of 4 stars). 2 submissions from 2 submitters: Benign (1). 1 of the submissions does not count toward it. Last evaluated 2024-11-27.

Conditions:
GRM7-related disorder. Also called: GRM7-related condition.

Allele frequency attached by ClinVar (database versions not stated): 1000 Genomes Project 30x 0.00078; 1000 Genomes Project 0.00080.
gnomAD v4.1: 358 of 1,613,268 alleles (0.022%); highest among the groups gnomAD compares: South Asian, 0.38%; 9 homozygotes.

Submissions (2):

Labcorp Genetics (formerly Invitae), Labcorp
Classification: Benign. Last evaluated: 2024-11-27. Review status: criteria provided, single submitter. Criteria: Invitae Variant Classification Sherloc (09022015). Collection method: clinical testing. Allele origin: germline.

PreventionGenetics, part of Exact Sciences
Classification: Likely benign for GRM7-related condition. Last evaluated: 2021-07-29. Review status: no assertion criteria provided. Collection method: clinical testing. Allele origin: germline. Not counted in ClinVar's aggregate classification.
Comment: This variant is classified as likely benign based on ACMG/AMP sequence variant interpretation guidelines (Richards et al. 2015 PMID: 25741868, with internal and published modifications).

NM_000844.4(GRM7):c.1300C>A (p.Arg434=)

Gene: GRM7 (glutamate metabotropic receptor 7; plus strand). Cytogenetic location: 3p26.1.
Variant type: single nucleotide variant.
Coding change: c.1300C>A on transcript NM_000844.4 (MANE Select); coding-DNA position 1300, C replaced by A.
Protein change: p.Arg434=; no amino-acid change (arginine 434 retained).
Molecular consequence: synonymous variant.
Genome position (GRCh38, 1-based): chr3:7,452,732, C>A. VCF-style: chr3-7452732-C-A. GRCh37 (hg19) VCF-style: chr3-7494419-C-A.
Other names: c.1300C>A, p.Arg434= (NM_181874.3); c.1300C>A (NM_000844.3).
Identifiers: ClinVar variation 2732253 (VCV002732253.5), dbSNP rs201868190, ClinGen allele CA2234857.